The following is an entry in ClinVar:

ClinVar aggregate classification (germline): Benign. Review status: reviewed by expert panel (3 of 4 stars). 4 submissions from 4 submitters: Benign (1). 3 of the submissions do not count toward it. Last evaluated 2025-05-20.

Conditions:
Primary ciliary dyskinesia. Also called: Ciliary dyskinesia. Identifiers: Orphanet 244, MedGen C0008780, MONDO:0016575, HP:0012265.
RPGR-related retinopathy. Also called: RPGR retinopathy. Identifiers: MedGen CN305589, MONDO:0100437.

Submissions (4):

ClinGen X-linked Inherited Retinal Disease Variant Curation Expert Panel, ClinGen
Classification: Benign for RPGR-related retinopathy. Last evaluated: 2025-05-20. Review status: reviewed by expert panel. Criteria: ClinGen X LinkedIRD ACMG Specifications RPGR V1.0.0. Collection method: curation. Allele origin: germline. Inheritance: X-linked inheritance.
Comment: NM_001034853.2(RPGR):c.3108_3122del (p.Glu1037_Glu1041del) is an in-frame deletion of 15 base pairs encoding amino acids 1037 through 1041. This deletion occurs within a low-complexity region that extends approximately from amino acids 728 through 1084 in RPGR (BP3). This variant is present in gnomAD v.4.1.0 at a frequency of 0.0007471 among hemizygous individuals, with 288 variant alleles / 385,485 total alleles, which is higher than the ClinGen X-linked IRD VCEP BA1 threshold of >0.00005 (BA1). However, the BP5 code is considered not applicable for RPGR-related retinopathy. In summary, this variant is classified as benign for RPGR-related retinopathy based on the ClinGen X-linked Inherited Retinal Disease Expert Panel Specifications to the ACMG/AMP Variant Interpretation Guidelines for RPGR Version 1.0.0; BA1 and BP3. (date of approval 05/16/2025).

Labcorp Genetics (formerly Invitae), Labcorp
Classification: Likely benign for Primary ciliary dyskinesia. Last evaluated: 2026-02-04. Review status: criteria provided, single submitter. Criteria: Invitae Variant Classification Sherloc (09022015). Collection method: clinical testing. Allele origin: germline. Not counted in ClinVar's aggregate classification.

GeneDx
Classification: Likely benign. Last evaluated: 2019-10-20. Review status: criteria provided, single submitter. Criteria: GeneDx Variant Classification Process June 2021. Collection method: clinical testing. Allele origin: germline. Affected: yes. Not counted in ClinVar's aggregate classification.

PreventionGenetics, part of Exact Sciences
Classification: Benign. Last evaluated: 2018-04-04. Review status: criteria provided, single submitter. Criteria: ACMG Guidelines, 2015. Collection method: clinical testing. Allele origin: germline. Not counted in ClinVar's aggregate classification.

NM_001034853.2(RPGR):c.3108_3122del (p.1033EGEEE[1])

Gene: RPGR (retinitis pigmentosa GTPase regulator; minus strand). Cytogenetic location: Xp11.4.
Variant type: Deletion.
Coding change: c.3108_3122del on transcript NM_001034853.2 (MANE Select); coding-DNA positions 3108 to 3122, 15 bases deleted (AGAGGAAGGAGAGGA).
Protein change: p.1033EGEEE[1].
Molecular consequence: inframe deletion. On other transcripts: intron variant (8).
Genome position (GRCh38, 1-based): chrX:38,285,877-38,285,891, TCCTCTCCTTCCTCT deleted on the plus strand (AGAGGAAGGAGAGGA on the coding strand, the reverse complement: RPGR is on the minus strand); deleting any 15 consecutive bases within chrX:38,285,877-38,285,903 gives the same sequence; the c. name uses the placement nearest the transcript's 3' end. VCF-style (leftmost placement, unchanged base first): chrX-38285876-CTCCTCTCCTTCCTCT-C. GRCh37 (hg19) VCF-style: chrX-38145129-CTCCTCTCCTTCCTCT-C.
Other names: NM_001034853.2(RPGR):c.3108_3122del; p.1033EGEEE[1]; c.3108_3122delAGAGGAAGGAGAGGA (NM_001034853.1); c.1569+5068_1569+5082del (NM_001367249.1, NM_001367250.1); c.1902+1203_1902+1217del (NM_001367245.1); c.1386+5068_1386+5082del (NM_001367251.1); c.1719+1203_1719+1217del (NM_001367246.1); c.1572+5068_1572+5082del (NM_001367247.1); and 2 more.
Identifiers: ClinVar variation 1204380 (VCV001204380.19), dbSNP rs774012136, ClinGen allele CA10385189.